The following is an entry in ClinVar:

NM_001177701.3(IFT27):c.297C>T (p.Asn99=)

Genes: CACNG2-DT (CACNG2 divergent transcript; plus strand), IFT27 (intraflagellar transport 27; minus strand). Cytogenetic location: 22q12.3.
Variant type: single nucleotide variant.
Coding change: c.297C>T on transcript NM_001177701.3 (MANE Select); coding-DNA position 297, C replaced by T.
Protein change: p.Asn99=; no amino-acid change (asparagine 99 retained).
Molecular consequence: synonymous variant.
Genome position (GRCh38, 1-based): chr22:36,763,974, G>A on the plus strand (C>T on the coding strand, the complement: IFT27 is on the minus strand). VCF-style: chr22-36763974-G-A. GRCh37 (hg19) VCF-style: chr22-37160018-G-A.
Other names: c.297C>T, p.Asn99= (NM_001363003.2); c.294C>T, p.Asn98= (NM_006860.5); c.294C>T (NM_006860.4).
Identifiers: ClinVar variation 2049743 (VCV002049743.5), dbSNP rs1443063724, ClinGen allele CA514361011.

ClinVar aggregate classification (germline): Likely benign. Review status: criteria provided, multiple submitters, no conflicts (2 of 4 stars). 2 submissions from 2 submitters: Likely benign (2). Last evaluated 2025-07-15.

Conditions:
IFT27-related disorder. Also called: IFT27-related condition.

Allele frequency attached by ClinVar (database versions not stated): gnomAD exomes below 0.00001.
gnomAD v4.1: 1 of 1,614,236 alleles (0.000062%); highest among the groups gnomAD compares: Admixed American, 0.0017%; no homozygotes.

Submissions (2):

PreventionGenetics, part of Exact Sciences
Classification: Likely benign for IFT27-related condition. Last evaluated: 2025-07-15. Review status: criteria provided, single submitter. Criteria: ACMG Guidelines, 2015. Collection method: clinical testing. Allele origin: germline.
Comment: This variant is classified as likely benign based on ACMG/AMP sequence variant interpretation guidelines (Richards et al. 2015 PMID: 25741868, with internal and published modifications).

Labcorp Genetics (formerly Invitae), Labcorp
Classification: Likely benign. Last evaluated: 2022-05-04. Review status: criteria provided, single submitter. Criteria: Invitae Variant Classification Sherloc (09022015). Collection method: clinical testing. Allele origin: germline.